The following is an entry in ClinVar:

NM_138927.4(SON):c.3761A>G (p.Glu1254Gly)

Gene: SON (SON DNA and RNA binding protein; plus strand). Cytogenetic location: 21q22.11.
Variant type: single nucleotide variant.
Coding change: c.3761A>G on transcript NM_138927.4 (MANE Select); coding-DNA position 3761, A replaced by G.
Protein change: p.Glu1254Gly; replaces glutamic acid 1254 with glycine.
Molecular consequence: missense variant. On other transcripts: non-coding transcript variant (1), intron variant (1).
Genome position (GRCh38, 1-based): chr21:33,552,992, A>G. VCF-style: chr21-33552992-A-G. GRCh37 (hg19) VCF-style: chr21-34925298-A-G.
Other names: c.3761A>G, p.Glu1254Gly (NM_001291411.2, NM_001412133.1, NM_032195.3 and 2 more transcripts); c.245-4164A>G (NM_001291412.3); short protein forms E1254G.
Identifiers: ClinVar variation 2761012 (VCV002761012.3), dbSNP rs868748150, ClinGen allele CA320152577.

ClinVar aggregate classification (germline): Uncertain significance (1 of 4 stars; one submission).

Allele frequency attached by ClinVar (database versions not stated): gnomAD 0.00001; TOPMed 0.00001.

Submission:

Labcorp Genetics (formerly Invitae), Labcorp
Classification: Uncertain significance. Last evaluated: 2023-10-15. Review status: criteria provided, single submitter. Criteria: Invitae Variant Classification Sherloc (09022015). Collection method: clinical testing. Allele origin: germline.
Comment: This sequence change replaces glutamic acid, which is acidic and polar, with glycine, which is neutral and non-polar, at codon 1254 of the SON protein (p.Glu1254Gly). This variant is present in population databases (no rsID available, gnomAD 0.007%). This variant has not been reported in the literature in individuals affected with SON-related conditions. An algorithm developed to predict the effect of missense changes on protein structure and function (PolyPhen-2) suggests that this variant is likely to be disruptive. In summary, the available evidence is currently insufficient to determine the role of this variant in disease. Therefore, it has been classified as a Variant of Uncertain Significance.